The following is an entry in ClinVar:

ClinVar aggregate classification (germline): Conflicting classifications of pathogenicity. Review status: criteria provided, conflicting classifications (1 of 4 stars). 11 submissions from 11 submitters: Uncertain significance (7); Benign (1); Likely benign (1). 2 of the submissions do not count toward it. Last evaluated 2026-05-18.

Conditions:
Ectopia lentis 1, isolated, autosomal dominant (ECTOL1). Identifiers: Orphanet 1885, MedGen C3541518, MONDO:0007514, OMIM 129600.
MASS syndrome (OCTD). Also called: MASS PHENOTYPE; OVERLAP CONNECTIVE TISSUE DISEASE. Identifiers: MedGen C1858556, MONDO:0011431, OMIM 604308.
Marfan syndrome (MFS). Also called: MARFAN SYNDROME, TYPE I; Marfan's syndrome; Marfan syndrome, classic; Marfan syndrome type 1; FBN1-Related Marfan Syndrome. Identifiers: Orphanet 284963, Orphanet 558, MedGen C0024796, MONDO:0007947, OMIM 154700.
Stiff skin syndrome (SSKS). Identifiers: Orphanet 2833, MedGen C1861456, MONDO:0008492, OMIM 184900.
Geleophysic dysplasia 2 (GPHYSD2). Identifiers: Orphanet 2623, MedGen C3280054, MONDO:0013612, OMIM 614185.
Weill-Marchesani syndrome 2, dominant. Also called: Weill-Marchesani Syndrome, Autosomal Dominant; FBN1-Related Weill-Marchesani Syndrome. Identifiers: Orphanet 2084, MedGen C1869115, MONDO:0012013, OMIM 608328.
Acromicric dysplasia (ACMICD). Also called: Acromicric skeletal dysplasia. Identifiers: Orphanet 969, MedGen C0265287, MONDO:0007055, OMIM 102370.
Progeroid and marfanoid aspect-lipodystrophy syndrome. Also called: MARFANOID-PROGEROID-LIPODYSTROPHY SYNDROME; MARFANOID-PROGEROID SYNDROME; MARFAN-PROGEROID-LIPODYSTROPHY SYNDROME; Marfan lipodystrophy syndrome. Identifiers: Orphanet 300382, MedGen C4310796, MONDO:0014831, OMIM 616914.
FBN1-related disorder. Also called: FBN1-related disorders.
Familial thoracic aortic aneurysm and aortic dissection (TAAD). Also called: Thoracic aortic aneurysms and dissections. Identifiers: Orphanet 91387, MedGen C4707243, MONDO:0019625.

Allele frequency attached by ClinVar (database versions not stated): TOPMed 0.00001; ExAC 0.00002; gnomAD 0.00002; gnomAD exomes 0.00002 and 0.00004.
gnomAD v4.1: 57 of 1,614,068 alleles (0.0035%); highest among the groups gnomAD compares: Non-Finnish European, 0.0046%; no homozygotes.

Submissions (11):

PreventionGenetics, part of Exact Sciences
Classification: Uncertain significance for FBN1-related condition. Last evaluated: 2026-05-18. Review status: criteria provided, single submitter. Criteria: ACMG Guidelines, 2015. Collection method: clinical testing. Allele origin: germline.
Comment: The FBN1 c.7400A>G variant is predicted to result in the amino acid substitution p.Gln2467Arg. This variant has been reported as a variant of uncertain significance in an individual with thoracic aortic disorder (Table S1, Overwater et al. 2018. PubMed ID: 29907982). This variant is present in 0.0040% of alleles in individuals of African descent in gnomAD. At this time, the clinical significance of this variant is uncertain due to the absence of conclusive functional and genetic evidence.

Labcorp Genetics (formerly Invitae), Labcorp
Classification: Benign for Marfan syndrome; Familial thoracic aortic aneurysm and aortic dissection. Last evaluated: 2024-09-15. Review status: criteria provided, single submitter. Criteria: Invitae Variant Classification Sherloc (09022015). Collection method: clinical testing. Allele origin: germline.

All of Us Research Program, National Institutes of Health
Classification: Uncertain significance for Marfan syndrome. Last evaluated: 2024-09-13. Review status: criteria provided, single submitter. Criteria: ACMG Guidelines, 2015. Collection method: clinical testing. Allele origin: germline. Inheritance: Autosomal dominant inheritance. Observed: 6 variant alleles, 6 heterozygotes.
Comment: This missense variant replaces glutamine with arginine at codon 2467 of the FBN1 protein. Computational prediction suggests that this variant may not impact protein structure and function (internally defined REVEL score threshold <= 0.5, PMID: 27666373). To our knowledge, functional studies have not been reported for this variant. This variant has been reported in an individual suspected of having heritable thoracic aortic disorder (PMID: 29907982). This variant has been identified in 6/282758 chromosomes in the general population by the Genome Aggregation Database (gnomAD). The available evidence is insufficient to determine the role of this variant in disease conclusively. Therefore, this variant is classified as a Variant of Uncertain Significance.

This study involves interpretation of variants in research participants for the purpose of population health screening. Participant phenotype was not available at the time of variant classification. Additional details can be found in publication PMID: 35346344, PMCID: PMC8962531

Color Diagnostics, LLC DBA Color Health
Classification: Uncertain significance for Familial thoracic aortic aneurysm and aortic dissection. Last evaluated: 2024-07-12. Review status: criteria provided, single submitter. Criteria: ACMG Guidelines, 2015. Collection method: clinical testing. Allele origin: germline.
Comment: This missense variant replaces glutamine with arginine at codon 2467 of the FBN1 protein. Computational prediction tools indicate that this variant has a neutral impact on protein structure and function. To our knowledge, functional studies have not been reported for this variant. This variant has been reported in an individual suspected to be affected with heritable thoracic aortic disorder (PMID: 29907982). This variant has been identified in 6/282758 chromosomes in the general population by the Genome Aggregation Database (gnomAD). The available evidence is insufficient to determine the role of this variant in disease conclusively. Therefore, this variant is classified as a Variant of Uncertain Significance.

Blueprint Genetics
Classification: Uncertain significance. Last evaluated: 2024-07-09. Review status: criteria provided, single submitter. Criteria: ACMG Guidelines, 2015. Collection method: clinical testing. Allele origin: germline.

CeGaT Center for Human Genetics Tuebingen
Classification: Likely benign. Last evaluated: 2022-06-01. Review status: criteria provided, single submitter. Criteria: CeGaT Center For Human Genetics Tuebingen Variant Classification Criteria Version 2. Collection method: clinical testing. Allele origin: germline. Affected: yes. Observed: 2 variant alleles.
Comment: FBN1: PM1, BS2

Fulgent Genetics
Classification: Uncertain significance for Acromicric dysplasia; Ectopia lentis 1, isolated, autosomal dominant; Marfan syndrome; Stiff skin syndrome; MASS syndrome; Weill-Marchesani syndrome 2, dominant; Geleophysic dysplasia 2; Progeroid and marfanoid aspect-lipodystrophy syndrome. Last evaluated: 2021-07-29. Review status: criteria provided, single submitter. Criteria: ACMG Guidelines, 2015. Collection method: clinical testing. Allele origin: unknown.

GeneDx
Classification: Uncertain significance. Last evaluated: 2020-11-24. Review status: criteria provided, single submitter. Criteria: GeneDx Variant Classification Process June 2021. Collection method: clinical testing. Allele origin: germline. Affected: yes.
Comment: Identified in a patient with aortic root aneurysm, dilated cardiomyopathy (DCM), and atrial fibrillation in the published literature (Overwater et al., 2018); Not observed at a significant frequency in large population cohorts (Lek et al., 2016); Reported in ClinVar but additional evidence is not available (ClinVar Variant ID#457260; Landrum et al., 2016); In silico analysis supports that this missense variant does not alter protein structure/function; Although located in a calcium-binding EGF-like domain of the FBN1 gene, it does not affect a cysteine residue within this domain; cysteine substitutions in the calcium-binding EGF-like domains represent the majority of pathogenic missense changes associated with FBN1-related disorders (Collod-Beroud et al., 2003); This variant is associated with the following publications: (PMID: 29907982)

Ambry Genetics
Classification: Uncertain significance for Familial thoracic aortic aneurysm and aortic dissection. Last evaluated: 2018-01-19. Review status: criteria provided, single submitter. Criteria: Ambry Variant Classification Scheme 2023. Collection method: clinical testing. Allele origin: germline.
Comment: The p.Q2467R variant (also known as c.7400A>G), located in coding exon 59 of the FBN1 gene, results from an A to G substitution at nucleotide position 7400. The glutamine at codon 2467 is replaced by arginine, an amino acid with highly similar properties, and is located in the cbEGF-like #38 domain. An alternate substitution, p.Q2467P, has been reported in a Marfan syndrome cohort; however, clinical details were limited (Franken R et al. Eur. Heart J., 2016 Nov;37:3285-3290). This amino acid position is not well conserved in available vertebrate species. In addition, this alteration is predicted to be tolerated by in silico analysis. Since supporting evidence is limited at this time, the clinical significance of this alteration remains unclear.

Genome Diagnostics Laboratory, Amsterdam University Medical Center
Classification: Uncertain significance. Review status: no assertion criteria provided. Collection method: clinical testing. Allele origin: germline. Affected: yes. Study: VKGL Data-share Consensus. Not counted in ClinVar's aggregate classification.

Joint Genome Diagnostic Labs from Nijmegen and Maastricht, Radboudumc and MUMC+
Classification: Uncertain significance. Review status: no assertion criteria provided. Collection method: clinical testing. Allele origin: germline. Affected: yes. Study: VKGL Data-share Consensus. Not counted in ClinVar's aggregate classification.

Literature cited by the submitters: PubMed 29907982 (cited by All of Us Research Program, National Institutes of Health and Color Diagnostics, LLC DBA Color Health); PubMed 26787436 (cited by Ambry Genetics).

NM_000138.5(FBN1):c.7400A>G (p.Gln2467Arg)

Gene: FBN1 (fibrillin 1; minus strand). Cytogenetic location: 15q21.1.
Variant type: single nucleotide variant.
Coding change: c.7400A>G on transcript NM_000138.5 (MANE Select); coding-DNA position 7400, A replaced by G.
Protein change: p.Gln2467Arg; replaces glutamine 2467 with arginine.
Molecular consequence: missense variant.
Genome position (GRCh38, 1-based): chr15:48,425,422, T>C on the plus strand (A>G on the coding strand, the complement: FBN1 is on the minus strand). VCF-style: chr15-48425422-T-C. GRCh37 (hg19) VCF-style: chr15-48717619-T-C.
Other names: short protein forms Q2467R.
Identifiers: ClinVar variation 457260 (VCV000457260.65), dbSNP rs770839761, ClinGen allele CA058511.